The following is an entry in ClinVar:

NM_000090.4(COL3A1):c.368C>A (p.Pro123His)

Gene: COL3A1 (collagen type III alpha 1 chain; plus strand). Cytogenetic location: 2q32.2.
Variant type: single nucleotide variant.
Coding change: c.368C>A on transcript NM_000090.4 (MANE Select); coding-DNA position 368, C replaced by A.
Protein change: p.Pro123His; replaces proline 123 with histidine.
Molecular consequence: missense variant.
Genome position (GRCh38, 1-based): chr2:188,985,699, C>A. VCF-style: chr2-188985699-C-A. GRCh37 (hg19) VCF-style: chr2-189850425-C-A.
Other names: short protein forms P123H.
Identifiers: ClinVar variation 3069964 (VCV003069964.2), dbSNP rs2469108279, ClinGen allele CA349847801.

ClinVar aggregate classification (germline): Uncertain significance. Review status: criteria provided, multiple submitters, no conflicts (2 of 4 stars). 2 submissions from 2 submitters: Uncertain significance (2). Last evaluated 2025-04-02.

Conditions:
COL3A1-related disorder. Also called: COL3A1-related condition.
Ehlers-Danlos syndrome, type 4 (EDSVASC). Also called: Ehlers-Danlos Syndrome Type IV; Ehlers-Danlos syndrome vascular type; Ehlers Danlos syndrome, ecchymotic type; Ehlers Danlos syndrome, arterial type; Ehlers Danlos syndrome, Sack-Barabas type. Identifiers: Orphanet 286, MedGen C0268338, MONDO:0017314, OMIM 130050.

Submissions (2):

PreventionGenetics, part of Exact Sciences
Classification: Uncertain significance for COL3A1-related condition. Last evaluated: 2025-04-02. Review status: criteria provided, single submitter. Criteria: ACMG Guidelines, 2015. Collection method: clinical testing. Allele origin: germline.
Comment: The COL3A1 c.368C>A variant is predicted to result in the amino acid substitution p.Pro123His. To our knowledge, this variant has not been reported in the literature or in a large population database (gnomAD), indicating this variant is rare. At this time, the clinical significance of this variant is uncertain due to the absence of conclusive functional and genetic evidence.

All of Us Research Program, National Institutes of Health
Classification: Uncertain significance for Ehlers-Danlos syndrome, type 4. Last evaluated: 2023-03-28. Review status: criteria provided, single submitter. Criteria: ACMG Guidelines, 2015. Collection method: clinical testing. Allele origin: germline. Inheritance: Autosomal dominant inheritance. Observed: 1 variant allele, 1 heterozygote.
Comment: This study involves interpretation of variants in research participants for the purpose of population health screening. Participant phenotype was not available at the time of variant classification. Additional details can be found in publication PMID: 35346344, PMCID: PMC8962531